The following is an entry in ClinVar:

NM_001365951.3(KIF1B):c.3043+4G>A

Gene: KIF1B (kinesin family member 1B; plus strand). Cytogenetic location: 1p36.22.
Variant type: single nucleotide variant.
Coding change: c.3043+4G>A on transcript NM_001365951.3 (MANE Select); 4 bases into the intron after coding-DNA position 3043, G replaced by A.
Molecular consequence: intron variant.
Genome position (GRCh38, 1-based): chr1:10,334,642, G>A. VCF-style: chr1-10334642-G-A. GRCh37 (hg19) VCF-style: chr1-10394700-G-A.
Other names: c.2905+4G>A (NM_015074.3); c.3043+4G>A (NM_001365952.1).
Identifiers: ClinVar variation 659378 (VCV000659378.11), dbSNP rs1331772399, ClinGen allele CA521149724.

ClinVar aggregate classification (germline): Uncertain significance. Review status: criteria provided, multiple submitters, no conflicts (2 of 4 stars). 2 submissions from 2 submitters: Uncertain significance (2). Last evaluated 2024-11-17.

Conditions:
Charcot-Marie-Tooth disease type 2. Also called: Charcot-Marie-Tooth type 2. Identifiers: Orphanet 64746, MedGen C0270914, MONDO:0018993.

Allele frequency attached by ClinVar (database versions not stated): gnomAD 0.00001.
gnomAD v4.1: 2 of 1,606,694 alleles (0.00012%); highest among the groups gnomAD compares: Non-Finnish European, 0.00017%; no homozygotes.

Submissions (2):

Labcorp Genetics (formerly Invitae), Labcorp
Classification: Uncertain significance for Charcot-Marie-Tooth disease type 2. Last evaluated: 2024-11-17. Review status: criteria provided, single submitter. Criteria: Invitae Variant Classification Sherloc (09022015). Collection method: clinical testing. Allele origin: germline.
Comment: This sequence change falls in intron 26 of the KIF1B gene. It does not directly change the encoded amino acid sequence of the KIF1B protein. It affects a nucleotide within the consensus splice site. This variant is present in population databases (no rsID available, gnomAD 0.007%). This variant has not been reported in the literature in individuals affected with KIF1B-related conditions. ClinVar contains an entry for this variant (Variation ID: 659378). Variants that disrupt the consensus splice site are a relatively common cause of aberrant splicing (PMID: 17576681, 9536098). Algorithms developed to predict the effect of sequence changes on RNA splicing suggest that this variant is not likely to affect RNA splicing. In summary, the available evidence is currently insufficient to determine the role of this variant in disease. Therefore, it has been classified as a Variant of Uncertain Significance.

Ambry Genetics
Classification: Uncertain significance. Last evaluated: 2023-09-19. Review status: criteria provided, single submitter. Criteria: Ambry Variant Classification Scheme 2023. Collection method: clinical testing. Allele origin: germline.
Comment: The c.2905+4G>A intronic variant results from a G to A substitution 4 nucleotides after coding exon 25 in the KIF1B gene. This nucleotide position is not well conserved in available vertebrate species. In silico splice site analysis predicts that this alteration will not have any significant effect on splicing. The evidence for this gene-disease relationship is limited; therefore, the clinical significance of this alteration is unclear.

Literature cited by the submitters: PubMed 17576681 (cited by Labcorp Genetics (formerly Invitae), Labcorp); PubMed 9536098 (cited by Labcorp Genetics (formerly Invitae), Labcorp).